The following is an entry in ClinVar:

ClinVar aggregate classification (germline): Uncertain significance (1 of 4 stars; one submission).

Conditions:
Mitochondrial hypertrophic cardiomyopathy with lactic acidosis due to MTO1 deficiency. Also called: CARDIOMYOPATHY, INFANTILE HYPERTROPHIC MITOCHONDRIAL, AND LACTIC ACIDOSIS; Combined oxidative phosphorylation deficiency 10. Identifiers: Orphanet 314637, MedGen C4749921, MONDO:0013865, OMIM 614702.

gnomAD v4.1: 2 of 1,613,706 alleles (0.00012%); highest among the groups gnomAD compares: African/African-American, 0.0013%; no homozygotes.

Submission:

Labcorp Genetics (formerly Invitae), Labcorp
Classification: Uncertain significance for Mitochondrial hypertrophic cardiomyopathy with lactic acidosis due to MTO1 deficiency. Last evaluated: 2026-01-19. Review status: criteria provided, single submitter. Criteria: Invitae Variant Classification Sherloc (09022015). Collection method: clinical testing. Allele origin: germline.
Comment: This sequence change replaces proline, which is neutral and non-polar, with serine, which is neutral and polar, at codon 611 of the MTO1 protein (p.Pro611Ser). The frequency data for this variant in the population databases is considered unreliable, as metrics indicate poor data quality at this position in the gnomAD database. This variant has not been reported in the literature in individuals affected with MTO1-related conditions. Invitae Evidence Modeling of protein sequence and biophysical properties (such as structural, functional, and spatial information, amino acid conservation, physicochemical variation, residue mobility, and thermodynamic stability) indicates that this missense variant is not expected to disrupt MTO1 protein function with a negative predictive value of 80%. In summary, the available evidence is currently insufficient to determine the role of this variant in disease. Therefore, it has been classified as a Variant of Uncertain Significance.

NM_012123.4(MTO1):c.1831C>T (p.Pro611Ser)

Gene: MTO1 (mitochondrial tRNA translation optimization 1; plus strand). Cytogenetic location: 6q13.
Variant type: single nucleotide variant.
Coding change: c.1831C>T on transcript NM_012123.4 (MANE Select); coding-DNA position 1831, C replaced by T.
Protein change: p.Pro611Ser; replaces proline 611 with serine.
Molecular consequence: missense variant.
Genome position (GRCh38, 1-based): chr6:73,497,810, C>T. VCF-style: chr6-73497810-C-T. GRCh37 (hg19) VCF-style: chr6-74207533-C-T.
Other names: c.1951C>T, p.Pro651Ser (NM_001123226.2); c.1906C>T, p.Pro636Ser (NM_133645.3); short protein forms P651S, P611S, P636S.
Identifiers: ClinVar variation 4772642 (VCV004772642.1).